The following is an entry in ClinVar:

ClinVar aggregate classification (germline): Conflicting classifications of pathogenicity. Review status: criteria provided, conflicting classifications (1 of 4 stars). 7 submissions from 7 submitters: Pathogenic (1); Likely pathogenic (3); Uncertain significance (2). 1 of the submissions does not count toward it. Last evaluated 2025-12-31.

Conditions:
ASS1-related disorder. Also called: ASS1-related condition.
Citrullinemia type I (CTNL1). Also called: ASS DEFICIENCY; argininosuccinate synthetase deficiency. Identifiers: Orphanet 247525, MedGen C4721769, MONDO:0008988, OMIM 215700.
Citrullinemia. Identifiers: Orphanet 187, MedGen C0175683, MONDO:0015991.

Allele frequency attached by ClinVar (database versions not stated): gnomAD exomes below 0.00001; gnomAD 0.00001; TOPMed 0.00001.
gnomAD v4.1: 4 of 1,613,622 alleles (0.00025%); highest among the groups gnomAD compares: Admixed American, 0.0033%; no homozygotes.

Submissions (7):

Myriad Genetics, Inc.
Classification: Uncertain significance for Citrullinemia type I. Last evaluated: 2025-12-31. Review status: criteria provided, single submitter. Criteria: Myriad Autosomal Dominant, Autosomal Recessive and X-Linked Classification Criteria (2023). Collection method: clinical testing. Allele origin: unknown.
Comment: NM_000050.4(ASS1):c.1173C>A(F391L) is a missense variant classified as a variant of uncertain significance in the context of citrullinemia type 1. F391L has been observed in a case with relevant disease (PMID: 31469252). Relevant functional assessments of this variant are available in the literature (PMID: 31469252). F391L has not been observed in referenced population frequency databases. In summary, there is insufficient evidence to classify NM_000050.4(ASS1):c.1173C>A(F391L) as pathogenic or benign. Please note: this variant was assessed in the context of healthy population screening.

Women's Health and Genetics/Laboratory Corporation of America, LabCorp
Classification: Likely pathogenic for Citrullinemia. Last evaluated: 2025-07-17. Review status: criteria provided, single submitter. Criteria: LabCorp Variant Classification Summary - May 2015. Collection method: clinical testing. Allele origin: germline.
Comment: Variant summary: ASS1 c.1173C>A (p.Phe391Leu) results in a non-conservative amino acid change in the encoded protein sequence. Algorithms developed to predict the effect of missense changes on protein structure and function all suggest that this variant is likely to be disruptive. The frequency data for this variant in gnomAD is considered unreliable, as metrics indicate poor data quality at this position. c.1173C>A has been observed in the compound heterozygous state in individuals affected with Citrullinemia Type I (Zielonka_2019, internal data). These data indicate that the variant is likely to be associated with disease. At least one publication reports experimental evidence evaluating an impact on protein function, however, does not allow convincing conclusions about the variant effect. (Zielonka_2019). The following publications have been ascertained in the context of this evaluation (PMID: 31469252). ClinVar contains an entry for this variant (Variation ID: 432044). Based on the evidence outlined above, the variant was classified as likely pathogenic.

PreventionGenetics, part of Exact Sciences
Classification: Uncertain significance for ASS1-related condition. Last evaluated: 2025-07-13. Review status: criteria provided, single submitter. Criteria: ACMG Guidelines, 2015. Collection method: clinical testing. Allele origin: germline.
Comment: The ASS1 c.1173C>A variant is predicted to result in the amino acid substitution p.Phe391Leu. This variant has been reported in the compound heterozygous state, along with ASS1 c.991T>C (p.Cys331Arg), in an individual with citrullinaemia (Supplementary Figures, Zielonka et al. 2019. PubMed ID: 31469252). A functional study analyzing residual enzyme activity showed that these biallelic variants had a residual enzyme activity of ~80% (Supplementary Figures, Zielonka et al. 2019. PubMed ID: 31469252). This variant has not been reported in a large population database (gnomAD), indicating this variant is rare. Although we suspect that this variant may be pathogenic, at this time, the clinical significance of this variant is uncertain due to the absence of conclusive functional and genetic evidence.

Labcorp Genetics (formerly Invitae), Labcorp
Classification: Pathogenic for Citrullinemia. Last evaluated: 2025-07-08. Review status: criteria provided, single submitter. Criteria: Invitae Variant Classification Sherloc (09022015). Collection method: clinical testing. Allele origin: germline.
Comment: This sequence change replaces phenylalanine, which is neutral and non-polar, with leucine, which is neutral and non-polar, at codon 391 of the ASS1 protein (p.Phe391Leu). This variant is not present in population databases (gnomAD no frequency). This missense change has been observed in individual(s) with clinical features of citrullinemia type I (PMID: 3146925; internal data). In at least one individual the data is consistent with being in trans (on the opposite chromosome) from a pathogenic variant. ClinVar contains an entry for this variant (Variation ID: 432044). Invitae Evidence Modeling of protein sequence and biophysical properties (such as structural, functional, and spatial information, amino acid conservation, physicochemical variation, residue mobility, and thermodynamic stability) indicates that this missense variant is expected to disrupt ASS1 protein function with a positive predictive value of 80%. For these reasons, this variant has been classified as Pathogenic.

GeneDx
Classification: Likely pathogenic. Last evaluated: 2016-01-07. Review status: criteria provided, single submitter. Criteria: GeneDx Variant Classification (06012015). Collection method: clinical testing. Allele origin: germline. Affected: yes.
Comment: The F391L variant has not been published as a pathogenic variant, nor has it been reported as a benign variant to our knowledge. The F391L variant is a conservative amino acid substitution, which is not likely to impact secondary protein structure as these residues share similar properties. This substitution occurs at a position that is conserved across species. In silico analysis predicts this variant is probably damaging to the protein structure/function. Missense variants in nearby residues (T389I, G390R, and I394N) have been reported in the Human Gene Mutation Database in association with citrullinemia (Stenson et al., 2014), supporting the functional importance of this region of the protein. Therefore, this variant is likely pathogenic; however, the possibility that it is benign cannot be excluded.

Clinical Genetics Service, Universitary Hospital 12 de Octubre
Classification: Likely pathogenic for Citrullinemia type I. Review status: criteria provided, single submitter. Criteria: ACMG Guidelines, 2015. Collection method: clinical testing. Allele origin: maternal. Affected: yes.

Counsyl
Classification: Uncertain significance for Citrullinemia type I. Last evaluated: 2019-01-24. Review status: no assertion criteria provided. Collection method: clinical testing. Allele origin: unknown. Not counted in ClinVar's aggregate classification.

Literature cited by the submitters: PubMed 31469252 (cited by Myriad Genetics, Inc. and Women's Health and Genetics/Laboratory Corporation of America, LabCorp); PubMed 3146925 (cited by Labcorp Genetics (formerly Invitae), Labcorp).

NM_054012.4(ASS1):c.1173C>A (p.Phe391Leu)

Gene: ASS1 (argininosuccinate synthase 1; plus strand). Cytogenetic location: 9q34.11.
Variant type: single nucleotide variant.
Coding change: c.1173C>A on transcript NM_054012.4 (MANE Select); coding-DNA position 1173, C replaced by A.
Protein change: p.Phe391Leu; replaces phenylalanine 391 with leucine.
Molecular consequence: missense variant.
Genome position (GRCh38, 1-based): chr9:130,499,550, C>A. VCF-style: chr9-130499550-C-A. GRCh37 (hg19) VCF-style: chr9-133374937-C-A.
Other names: c.1173C>A, p.Phe391Leu (NM_000050.4); short protein forms F391L.
Identifiers: ClinVar variation 432044 (VCV000432044.16), dbSNP rs1554725724, ClinGen allele CA375232708.